The following is an entry in ClinVar:

NM_001252102.2(KIF21B):c.2783T>G (p.Met928Arg)

Gene: KIF21B (kinesin family member 21B; minus strand). Cytogenetic location: 1q32.1.
Variant type: single nucleotide variant.
Coding change: c.2783T>G on transcript NM_001252102.2 (MANE Select); coding-DNA position 2783, T replaced by G.
Protein change: p.Met928Arg; replaces methionine 928 with arginine.
Molecular consequence: missense variant.
Genome position (GRCh38, 1-based): chr1:200,990,628, A>C on the plus strand (T>G on the coding strand, the complement: KIF21B is on the minus strand). VCF-style: chr1-200990628-A-C. GRCh37 (hg19) VCF-style: chr1-200959756-A-C.
Other names: c.2783T>G, p.Met928Arg (NM_001252100.2, NM_001252103.2, NM_017596.4); short protein forms M928R.
Identifiers: ClinVar variation 4532310 (VCV004532310.1).
Genomic context (GRCh38, chr1:200,990,628, plus strand): 5'-GGGCTCACCTTGATGAGCCGCTCCATGTCAGCCTCCAGGTTGACAATGGTCATTCTCTGC[A>C]TGACGATGTCAATGATCCGTCGCTCCAGGGACTGCCACTTGAGCCTTGCCGCCTTACTGA-3'
Protein context (NP_001239031.1, residues 918-938): SLERRIIDIV[Met928Arg]QRMTIVNLEA

ClinVar aggregate classification (germline): Uncertain significance (1 of 4 stars; one submission).

Submission:

GeneDx
Classification: Uncertain significance. Last evaluated: 2025-06-01. Review status: criteria provided, single submitter. Criteria: GeneDx Variant Classification Process June 2021. Collection method: clinical testing. Allele origin: germline. Affected: yes.
Comment: Not observed at significant frequency in large population cohorts (gnomAD); In silico analysis supports that this missense variant has a deleterious effect on protein structure/function; Has not been previously published as pathogenic or benign to our knowledge